The following is an entry in ClinVar:

NM_000135.4(FANCA):c.4006_4007insTTTTTTTTTTTTTTTTTTTTNNNNNNNNNNCCTGACCTCGTGATCCGCCCGCCTCGGCCTCCCAAAGTGCTGGGATTACAGGCGTGAGCCACCGCGCCCGGCCTGCCTTTCGCTTTTT (p.Tyr1336delinsPhePhePhePhePhePhePheXaaXaaXaaXaaTer)

Genes: ZNF276 (zinc finger protein 276; plus strand), FANCA (FA complementation group A; minus strand). Cytogenetic location: 16q24.3.
Variant type: Microsatellite.
Coding change: c.4006_4007insTTTTTTTTTTTTTTTTTTTTNNNNNNNNNNCCTGACCTCGTGATCCGCCCGCCTCGGCCTCCCAAAGTGCTGGGATTACAGGCGTGAGCCACCGCGCCCGGCCTGCCTTTCGCTTTTT on transcript NM_000135.4 (MANE Select); coding-DNA positions 4006 to 4007, TTTTTTTTTTTTTTTTTTTTNNNNNNNNNNCCTGACCTCGTGATCCGCCCGCCTCGGCCTCCCAAAGTGCTGGGATTACAGGCGTGAGCCACCGCGCCCGGCCTGCCTTTCGCTTTTT inserted.
Protein change: p.Tyr1336delinsPhePhePhePhePhePhePheXaaXaaXaaXaaTer.
Molecular consequence: nonsense. On other transcripts: 3 prime UTR variant (2), non-coding transcript variant (4).
Genome position: GRCh38: chr16:89,739,482-89,739,497. GRCh37 (hg19): chr16:89,805,890-89,805,905.
Other names: c.4006_4007insTTTTTTTTTTTTTTTTTTTTNNNNNNNNNNCCTGACCTCGTGATCCGCCCGCCTCGGCCTCCCAAAGTGCTGGGATTACAGGCGTGAGCCACCGCGCCCGGCCTGCCTTTCGCTTTTT, p.Tyr1336delinsPhePhePhePhePhePhePheXaaXaaXaaXaaTer (NM_001286167.3); c.*1236_*1251A[5]GCGAAAGGCAGGCCGGGCGCGGTGGCTCACGCCTGTAATCCCAGCACTTTGGGAGGCCGAGGCGGGCGGATCACGAGGTCAGGNNNNNNNNNNAAAAAAAAAAAAAAAAAAAAAAAAAGCGAAAGGCAG[1] (NM_001113525.2, NM_152287.4).
Identifiers: ClinVar variation 2816628 (VCV002816628.3).

ClinVar aggregate classification (germline): Pathogenic (1 of 4 stars; one submission).

Conditions:
Fanconi anemia (FA). Also called: Fanconi's anemia. Identifiers: Orphanet 84, MedGen C0015625, MeSH D005199, MONDO:0019391.

Submission:

Labcorp Genetics (formerly Invitae), Labcorp
Classification: Pathogenic for Fanconi anemia. Last evaluated: 2022-11-25. Review status: criteria provided, single submitter. Criteria: Invitae Variant Classification Sherloc (09022015). Collection method: clinical testing. Allele origin: germline.
Comment: Algorithms developed to predict the effect of sequence changes on RNA splicing suggest that this variant may disrupt the consensus splice site. Retrotransposon insertions including LINE1 (L1), Alu, and SVA (SINE-VNTR-Alu) have been reported to be disease-causing through disruption of either a coding region or splice site (PMID: 19763152, 20307669, 22406018) and loss-of-function variants in FANCA are known to be pathogenic (PMID: 19367192). For these reasons, this variant has been classified as Pathogenic. This variant has not been reported in the literature in individuals affected with FANCA-related conditions. This variant is not present in population databases (gnomAD no frequency). This sequence change inserts a large fragment of DNA, likely a transposable element, in exon 40 of the FANCA gene (c.4006_4007ins?), causing a frameshift at codon 1336 (p.Tyr1336fs). The exact size and sequence of the insertion cannot be determined by the current assay. However, the insertion is expected to result in an absent or disrupted protein product.

Literature cited by the submitters: PubMed 19763152; PubMed 20307669; PubMed 22406018; PubMed 19367192.